The following is an entry in ClinVar:

ClinVar aggregate classification (germline): Benign (1 of 4 stars; one submission).

Allele frequency attached by ClinVar (database versions not stated): 1000 Genomes Project 0.09145; TOPMed 0.09674; 1000 Genomes Project 30x 0.08963.

Submission:

GeneDx
Classification: Benign. Last evaluated: 2018-06-14. Review status: criteria provided, single submitter. Criteria: GeneDx Variant Classification (06012015). Collection method: clinical testing. Allele origin: germline. Affected: yes.
Comment: This variant is considered likely benign or benign based on one or more of the following criteria: it is a conservative change, it occurs at a poorly conserved position in the protein, it is predicted to be benign by multiple in silico algorithms, and/or has population frequency not consistent with disease.

NM_014946.3(SPAST):c.-423C>A

Genes: SPAST (spastin; plus strand), LOC129933454 (ATAC-STARR-seq lymphoblastoid active region 15557; plus strand). Cytogenetic location: 2p22.3.
Variant type: single nucleotide variant.
Coding change: c.-423C>A on transcript NM_014946.3; 423 bases upstream of the start codon, C replaced by A.
Genome position (GRCh38, 1-based): chr2:32,063,409, C>A. VCF-style: chr2-32063409-C-A. GRCh37 (hg19) VCF-style: chr2-32288478-C-A.
Identifiers: ClinVar variation 671069 (VCV000671069.3), dbSNP rs12994869, ClinGen allele CA11062508.